The following is an entry in ClinVar:

ClinVar aggregate classification (germline): Conflicting classifications of pathogenicity. Review status: criteria provided, conflicting classifications (1 of 4 stars). 13 submissions from 11 submitters: Uncertain significance (3); Benign (3); Likely benign (4). 3 of the submissions do not count toward it. Last evaluated 2026-01-29.

Conditions:
Usher syndrome type 1 (USH1). Also called: RETINITIS PIGMENTOSA AND CONGENITAL DEAFNESS. Identifiers: Orphanet 231169, Orphanet 886, MedGen C1568247, MONDO:0010168, OMIM 276900.
Autosomal recessive nonsyndromic hearing loss 2. Also called: NEUROSENSORY NONSYNDROMIC RECESSIVE DEAFNESS 2; DEAFNESS, AUTOSOMAL RECESSIVE 2. Identifiers: Orphanet 90636, MedGen C1838701, MONDO:0010807, OMIM 600060.
Autosomal dominant nonsyndromic hearing loss 11. Identifiers: Orphanet 90635, MedGen C1832475, MONDO:0011032, OMIM 601317.
Usher syndrome type 1B (USH1B). Also called: Usher syndrome type IB. Identifiers: MedGen C1848638, MONDO:0700087.

Allele frequency attached by ClinVar (database versions not stated): 1000 Genomes Project 0.00040; TOPMed 0.00183; gnomAD exomes 0.00186; gnomAD 0.00190 and 0.00197; ESP Exome Variant Server 0.00277; ExAC 0.00320.

Submissions (13):

Labcorp Genetics (formerly Invitae), Labcorp
Classification: Benign. Last evaluated: 2026-01-29. Review status: criteria provided, single submitter. Criteria: Invitae Variant Classification Sherloc (09022015). Collection method: clinical testing. Allele origin: germline.

Blueprint Genetics
Classification: Likely benign. Last evaluated: 2024-11-21. Review status: criteria provided, single submitter. Criteria: ACMG Guidelines, 2015. Collection method: clinical testing. Allele origin: germline.

CeGaT Center for Human Genetics Tuebingen
Classification: Likely benign. Last evaluated: 2021-11-01. Review status: criteria provided, single submitter. Criteria: CeGaT Center For Human Genetics Tuebingen Variant Classification Criteria Version 2. Collection method: clinical testing. Allele origin: germline. Affected: yes. Observed: 1 variant allele.

Athena Diagnostics
Classification: Likely benign. Last evaluated: 2018-11-12. Review status: criteria provided, single submitter. Criteria: Athena Diagnostics Criteria. Collection method: clinical testing. Allele origin: germline.

Illumina Laboratory Services, Illumina
Classification: Likely benign for Autosomal dominant nonsyndromic hearing loss 11. Last evaluated: 2018-01-12. Review status: criteria provided, single submitter. Criteria: ICSL Variant Classification Criteria 13 December 2019. Collection method: clinical testing. Allele origin: germline.
Comment: This variant was observed in the ICSL laboratory as part of a predisposition screen in an ostensibly healthy population. It had not been previously curated by ICSL or reported in the Human Gene Mutation Database (HGMD: prior to June 1st, 2018), and was therefore a candidate for classification through an automated scoring system. Utilizing variant allele frequency, disease prevalence and penetrance estimates, and inheritance mode, an automated score was calculated to assess if this variant is too frequent to cause the disease. Based on the score and internal cut-off values, a variant classified as likely benign is not then subjected to further curation. The score for this variant resulted in a classification of likely benign for this disease.

Illumina Laboratory Services, Illumina
Classification: Uncertain significance for Usher syndrome type 1. Last evaluated: 2018-01-12. Review status: criteria provided, single submitter. Criteria: ICSL Variant Classification Criteria 13 December 2019. Collection method: clinical testing. Allele origin: germline.

Illumina Laboratory Services, Illumina
Classification: Uncertain significance for Autosomal recessive nonsyndromic hearing loss 2. Last evaluated: 2018-01-12. Review status: criteria provided, single submitter. Criteria: ICSL Variant Classification Criteria 13 December 2019. Collection method: clinical testing. Allele origin: germline.

Eurofins Ntd Llc (ga)
Classification: Uncertain significance. Last evaluated: 2016-10-06. Review status: criteria provided, single submitter. Criteria: EGL Classification Definitions 2015. Collection method: clinical testing. Allele origin: germline. Observed: 4 variant alleles, 4 heterozygotes.

GeneDx
Classification: Benign. Last evaluated: 2015-03-03. Review status: criteria provided, single submitter. Criteria: GeneDx Variant Classification Process June 2021. Collection method: clinical testing. Allele origin: germline. Affected: yes.

Laboratory for Molecular Medicine, Mass General Brigham Personalized Medicine
Classification: Benign. Last evaluated: 2012-11-29. Review status: criteria provided, single submitter. Criteria: LMM Criteria. Collection method: clinical testing. Allele origin: germline. Observed: 4 variant alleles.
Comment: 3750+9G>A in intron 29 of MYO7A: This variant is not expected to have clinical s ignificance because it has been identified in 0.4% (31/8386) of European America n chromosomes from a broad population by the NHLBI Exome Sequencing Project (dbSNP rs111033252)

Natera, Inc.
Classification: Likely benign for Usher syndrome type 1B. Last evaluated: 2020-04-16. Review status: no assertion criteria provided. Collection method: clinical testing. Allele origin: germline. Not counted in ClinVar's aggregate classification.

Clinical Genetics DNA and cytogenetics Diagnostics Lab, Erasmus MC, Erasmus Medical Center
Classification: Likely benign. Review status: no assertion criteria provided. Collection method: clinical testing. Allele origin: germline. Affected: yes. Study: VKGL Data-share Consensus. Not counted in ClinVar's aggregate classification.

Clinical Genetics, Academic Medical Center
Classification: Benign. Review status: no assertion criteria provided. Collection method: clinical testing. Allele origin: germline. Affected: yes. Study: VKGL Data-share Consensus. Not counted in ClinVar's aggregate classification.

NM_000260.4(MYO7A):c.3750+9G>A

Gene: MYO7A (myosin VIIA; plus strand). Cytogenetic location: 11q13.5.
Variant type: single nucleotide variant.
Coding change: c.3750+9G>A on transcript NM_000260.4 (MANE Select); 9 bases into the intron after coding-DNA position 3750, G replaced by A.
Molecular consequence: intron variant.
Genome position (GRCh38, 1-based): chr11:77,190,148, G>A. VCF-style: chr11-77190148-G-A. GRCh37 (hg19) VCF-style: chr11-76901193-G-A.
Other names: c.3717+9G>A (NM_001369365.1); c.3750+9G>A (NM_001127180.2).
Identifiers: ClinVar variation 43222 (VCV000043222.64), dbSNP rs111033252, ClinGen allele CA132305.